The following is an entry in ClinVar:

NM_001378743.1(CYLD):c.2342T>C (p.Leu781Pro)

Genes: CYLD (CYLD lysine 63 deubiquitinase; plus strand), CYLD-AS2 (CYLD antisense RNA 2; minus strand). Cytogenetic location: 16q12.1.
Variant type: single nucleotide variant.
Coding change: c.2342T>C on transcript NM_001378743.1 (MANE Select); coding-DNA position 2342, T replaced by C.
Protein change: p.Leu781Pro; replaces leucine 781 with proline.
Molecular consequence: missense variant. On other transcripts: non-coding transcript variant (1).
Genome position (GRCh38, 1-based): chr16:50,792,697, T>C. VCF-style: chr16-50792697-T-C. GRCh37 (hg19) VCF-style: chr16-50826608-T-C.
Other names: c.2333T>C, p.Leu778Pro (NM_001378744.1, NM_001378745.1, NM_001378746.1 and 6 more transcripts); c.2303T>C, p.Leu768Pro (NM_001378751.1, NM_001378752.1, NM_001378753.1); c.1667T>C, p.Leu556Pro (NM_001378754.1, NM_001378755.1); c.2342T>C, p.Leu781Pro (NM_015247.3); short protein forms L781P, L778P, L556P, L768P.
Identifiers: ClinVar variation 267250 (VCV000267250.1), dbSNP rs886040889, ClinGen allele CA10590087.

ClinVar aggregate classification (germline): Uncertain significance (1 of 4 stars; one submission).

Conditions:
Brooke-Spiegler syndrome. Also called: CYLD Cutaneous Syndrome. Identifiers: Orphanet 79493, MedGen C1857941, MONDO:0011512, OMIM 605041.

Submission:

Genomic Diagnostic Laboratory, Division of Genomic Diagnostics, Children's Hospital of Philadelphia
Classification: Uncertain significance for Brooke-Spiegler syndrome. Last evaluated: 2016-09-23. Review status: criteria provided, single submitter. Criteria: DGD Variant Analysis Guidelines. Collection method: clinical testing. Allele origin: germline. Affected: yes. Observed: 1 variant allele.
Comment: Clinical Testing